The following is an entry in ClinVar:

ClinVar aggregate classification (germline): Uncertain significance. Review status: criteria provided, multiple submitters, no conflicts (2 of 4 stars). 2 submissions from 2 submitters: Uncertain significance (2). Last evaluated 2022-11-10.

Conditions:
Hereditary cancer-predisposing syndrome. Also called: Neoplastic Syndromes, Hereditary; Tumor predisposition; Hereditary Cancer Syndrome; Hereditary neoplastic syndrome. Identifiers: Orphanet 140162, MedGen C0027672, MeSH D009386, MONDO:0015356.

gnomAD v4.1: 1 of 1,614,204 alleles (0.000062%); highest among the groups gnomAD compares: Non-Finnish European, 0.000085%; no homozygotes.

Submissions (2):

Ambry Genetics
Classification: Uncertain significance for Hereditary cancer-predisposing syndrome. Last evaluated: 2022-11-10. Review status: criteria provided, single submitter. Criteria: Ambry Variant Classification Scheme 2023. Collection method: clinical testing. Allele origin: germline.
Comment: The p.H735R variant (also known as c.2204A>G), located in coding exon 20 of the POLE gene, results from an A to G substitution at nucleotide position 2204. The histidine at codon 735 is replaced by arginine, an amino acid with highly similar properties. This amino acid position is conserved. In addition, the in silico prediction for this alteration is inconclusive. Since supporting evidence is limited at this time, the clinical significance of this alteration remains unclear.

Labcorp Genetics (formerly Invitae), Labcorp
Classification: Uncertain significance. Last evaluated: 2021-03-26. Review status: criteria provided, single submitter. Criteria: Invitae Variant Classification Sherloc (09022015). Collection method: clinical testing. Allele origin: germline.
Comment: Algorithms developed to predict the effect of missense changes on protein structure and function (SIFT, PolyPhen-2, Align-GVGD) all suggest that this variant is likely to be tolerated, but these predictions have not been confirmed by published functional studies and their clinical significance is uncertain. This sequence change replaces histidine with arginine at codon 735 of the POLE protein (p.His735Arg). The histidine residue is highly conserved and there is a small physicochemical difference between histidine and arginine. This variant is present in population databases (rs748425772, ExAC 0.001%). This variant has not been reported in the literature in individuals with POLE-related conditions. In summary, the available evidence is currently insufficient to determine the role of this variant in disease. Therefore, it has been classified as a Variant of Uncertain Significance.

NM_006231.4(POLE):c.2204A>G (p.His735Arg)

Gene: POLE (DNA polymerase epsilon, catalytic subunit; minus strand). Cytogenetic location: 12q24.33.
Variant type: single nucleotide variant.
Coding change: c.2204A>G on transcript NM_006231.4 (MANE Select); coding-DNA position 2204, A replaced by G.
Protein change: p.His735Arg; replaces histidine 735 with arginine.
Molecular consequence: missense variant.
Genome position (GRCh38, 1-based): chr12:132,667,618, T>C on the plus strand (A>G on the coding strand, the complement: POLE is on the minus strand). VCF-style: chr12-132667618-T-C. GRCh37 (hg19) VCF-style: chr12-133244204-T-C.
Other names: c.2204A>G (NM_006231.2); short protein forms H735R.
Identifiers: ClinVar variation 1027306 (VCV001027306.11), dbSNP rs748425772, ClinGen allele CA6893629.